The following is an entry in ClinVar:

ClinVar aggregate classification (germline): Uncertain significance. Review status: criteria provided, multiple submitters, no conflicts (2 of 4 stars). 4 submissions from 4 submitters: Uncertain significance (3). 1 of the submissions does not count toward it. Last evaluated 2024-03-13.

Conditions:
Microcephaly, normal intelligence and immunodeficiency (NBS). Also called: BERLIN BREAKAGE SYNDROME; Ataxia telangiectasia variant V1; IMMUNODEFICIENCY, MICROCEPHALY, AND CHROMOSOMAL INSTABILITY; SEEMANOVA SYNDROME II; Immunodeficiency, microcephaly with normal intelligence; Nijmegen breakage syndrome. Identifiers: Orphanet 647, MedGen C0398791, MONDO:0009623, OMIM 251260.
Hereditary cancer-predisposing syndrome. Also called: Tumor predisposition; Neoplastic Syndromes, Hereditary; Hereditary Cancer Syndrome; Hereditary neoplastic syndrome. Identifiers: Orphanet 140162, MedGen C0027672, MeSH D009386, MONDO:0015356.

Submissions (4):

Ambry Genetics
Classification: Uncertain significance for Hereditary cancer-predisposing syndrome. Last evaluated: 2024-03-13. Review status: criteria provided, single submitter. Criteria: Ambry Variant Classification Scheme 2023. Collection method: clinical testing. Allele origin: germline.
Comment: The p.E379G variant (also known as c.1136A>G), located in coding exon 10 of the NBN gene, results from an A to G substitution at nucleotide position 1136. The glutamic acid at codon 379 is replaced by glycine, an amino acid with similar properties. This amino acid position is highly conserved in available vertebrate species. In addition, this alteration is predicted to be tolerated by in silico analysis. Since supporting evidence is limited at this time, the clinical significance of this alteration remains unclear.

Genome-Nilou Lab
Classification: Uncertain significance for Microcephaly, normal intelligence and immunodeficiency. Last evaluated: 2021-11-07. Review status: criteria provided, single submitter. Criteria: ACMG Guidelines, 2015. Collection method: clinical testing. Allele origin: germline. Affected: no.

Labcorp Genetics (formerly Invitae), Labcorp
Classification: Uncertain significance for Microcephaly, normal intelligence and immunodeficiency. Last evaluated: 2021-02-05. Review status: criteria provided, single submitter. Criteria: Invitae Variant Classification Sherloc (09022015). Collection method: clinical testing. Allele origin: germline.
Comment: Algorithms developed to predict the effect of missense changes on protein structure and function output the following: SIFT: "Tolerated"; PolyPhen-2: "Benign"; Align-GVGD: "Class C0". The glycine amino acid residue is found in multiple mammalian species, suggesting that this missense change does not adversely affect protein function. These predictions have not been confirmed by published functional studies and their clinical significance is uncertain. In summary, the available evidence is currently insufficient to determine the role of this variant in disease. Therefore, it has been classified as a Variant of Uncertain Significance. This variant has not been reported in the literature in individuals with NBN-related conditions. ClinVar contains an entry for this variant (Variation ID: 629243). This sequence change replaces glutamic acid with glycine at codon 379 of the NBN protein (p.Glu379Gly). The glutamic acid residue is moderately conserved and there is a moderate physicochemical difference between glutamic acid and glycine. This variant is not present in population databases (ExAC no frequency).

Natera, Inc.
Classification: Uncertain significance for Nijmegen breakage syndrome. Last evaluated: 2020-11-03. Review status: no assertion criteria provided. Collection method: clinical testing. Allele origin: germline. Not counted in ClinVar's aggregate classification.

NM_002485.5(NBN):c.1136A>G (p.Glu379Gly)

Gene: NBN (nibrin; minus strand). Cytogenetic location: 8q21.3.
Variant type: single nucleotide variant.
Coding change: c.1136A>G on transcript NM_002485.5 (MANE Select); coding-DNA position 1136, A replaced by G.
Protein change: p.Glu379Gly; replaces glutamic acid 379 with glycine.
Molecular consequence: missense variant.
Genome position (GRCh38, 1-based): chr8:89,955,544, T>C on the plus strand (A>G on the coding strand, the complement: NBN is on the minus strand). VCF-style: chr8-89955544-T-C. GRCh37 (hg19) VCF-style: chr8-90967772-T-C.
Other names: c.890A>G, p.Glu297Gly (NM_001024688.3); short protein forms E379G, E297G.
Identifiers: ClinVar variation 629243 (VCV000629243.21), dbSNP rs1563532732, ClinGen allele CA371656517.